The following is an entry in ClinVar:

NM_001080453.3(INTS1):c.5652C>G (p.Ile1884Met)

Genes: INTS1 (integrator complex subunit 1; minus strand), LOC129997773 (ATAC-STARR-seq lymphoblastoid silent region 17853; plus strand). Cytogenetic location: 7p22.3.
Variant type: single nucleotide variant.
Coding change: c.5652C>G on transcript NM_001080453.3 (MANE Select); coding-DNA position 5652, C replaced by G.
Protein change: p.Ile1884Met; replaces isoleucine 1884 with methionine.
Molecular consequence: missense variant.
Genome position (GRCh38, 1-based): chr7:1,474,345, G>C on the plus strand (C>G on the coding strand, the complement: INTS1 is on the minus strand). VCF-style: chr7-1474345-G-C. GRCh37 (hg19) VCF-style: chr7-1513981-G-C.
Other names: c.2169C>G, p.Ile723Met (NM_015674.1); short protein forms I1884M, I723M.
Identifiers: ClinVar variation 2413062 (VCV002413062.5), dbSNP rs768241069, ClinGen allele CA4118337.

ClinVar aggregate classification (germline): Uncertain significance (1 of 4 stars; one submission).

gnomAD v4.1: 24 of 1,599,374 alleles (0.0015%); highest among the groups gnomAD compares: Middle Eastern, 0.13%; 1 homozygote.

Submission:

GeneDx
Classification: Uncertain significance. Last evaluated: 2026-06-06. Review status: criteria provided, single submitter. Criteria: GeneDx Variant Classification Process June 2021. Collection method: clinical testing. Allele origin: germline.
Comment: Not observed at significant frequency in large population cohorts (gnomAD); In silico analysis suggests that this missense variant does not alter protein structure/function; Has not been previously published as pathogenic or benign to our knowledge